The following is an entry in ClinVar:

NM_014336.5(AIPL1):c.817G>T (p.Ala273Ser)

Gene: AIPL1 (AIP like 1 HSP90 co-chaperone; minus strand). Cytogenetic location: 17p13.2.
Variant type: single nucleotide variant.
Coding change: c.817G>T on transcript NM_014336.5 (MANE Select); coding-DNA position 817, G replaced by T.
Protein change: p.Ala273Ser; replaces alanine 273 with serine.
Molecular consequence: missense variant. On other transcripts: 3 prime UTR variant (1).
Genome position (GRCh38, 1-based): chr17:6,425,798, C>A on the plus strand (G>T on the coding strand, the complement: AIPL1 is on the minus strand). VCF-style: chr17-6425798-C-A. GRCh37 (hg19) VCF-style: chr17-6329118-C-A.
Other names: c.628G>T, p.Ala210Ser (NM_001033054.3); c.637G>T, p.Ala213Ser (NM_001033055.3); c.781G>T, p.Ala261Ser (NM_001285399.3); c.751G>T, p.Ala251Ser (NM_001285400.3); c.745G>T, p.Ala249Ser (NM_001285401.3); c.700G>T, p.Ala234Ser (NM_001285402.2); c.*788G>T (NM_001285403.4); short protein forms A249S, A273S, A234S, A213S, A210S, A251S, A261S.
Identifiers: ClinVar variation 1038458 (VCV001038458.6), dbSNP rs1911886614, ClinGen allele CA397394865.
Genomic context (GRCh38, chr17:6,425,798, plus strand): 5'-GCTCCAGCACTTTCTGGAGGTCCGCCTTGGCCTCGGCCTCATTCCACACCTCTGCGTGAG[C>A]CCGGGCACGCACGTAGTAGGCCTTCACGATGCCTGTGGGGAGCAGGGAGCATCCAGCTAC-3'
Protein context (NP_055151.3, residues 263-283): IVKAYYVRAR[Ala273Ser]HAEVWNEAEA

ClinVar aggregate classification (germline): Uncertain significance (1 of 4 stars; one submission).

Conditions:
Leber congenital amaurosis 4 (LCA4). Identifiers: MedGen C1858386, MONDO:0011458, OMIM 604393.

Submission:

Labcorp Genetics (formerly Invitae), Labcorp
Classification: Uncertain significance for Leber congenital amaurosis 4. Last evaluated: 2022-10-13. Review status: criteria provided, single submitter. Criteria: Invitae Variant Classification Sherloc (09022015). Collection method: clinical testing. Allele origin: germline.
Comment: This sequence change replaces alanine, which is neutral and non-polar, with serine, which is neutral and polar, at codon 273 of the AIPL1 protein (p.Ala273Ser). This variant is not present in population databases (gnomAD no frequency). This variant has not been reported in the literature in individuals affected with AIPL1-related conditions. ClinVar contains an entry for this variant (Variation ID: 1038458). Algorithms developed to predict the effect of missense changes on protein structure and function (SIFT, PolyPhen-2, Align-GVGD) all suggest that this variant is likely to be disruptive. In summary, the available evidence is currently insufficient to determine the role of this variant in disease. Therefore, it has been classified as a Variant of Uncertain Significance.